The following is an entry in ClinVar:

NM_001447.3(FAT2):c.787C>T (p.Pro263Ser)

Gene: FAT2 (FAT atypical cadherin 2; minus strand). Cytogenetic location: 5q33.1.
Variant type: single nucleotide variant.
Coding change: c.787C>T on transcript NM_001447.3 (MANE Select); coding-DNA position 787, C replaced by T.
Protein change: p.Pro263Ser; replaces proline 263 with serine.
Molecular consequence: missense variant.
Genome position (GRCh38, 1-based): chr5:151,568,145, G>A on the plus strand (C>T on the coding strand, the complement: FAT2 is on the minus strand). VCF-style: chr5-151568145-G-A. GRCh37 (hg19) VCF-style: chr5-150947706-G-A.
Other names: c.787C>T (NM_001447.2); short protein forms P263S.
Identifiers: ClinVar variation 2969212 (VCV002969212.4), dbSNP rs549767297, ClinGen allele CA3522370.

ClinVar aggregate classification (germline): Uncertain significance. Review status: criteria provided, multiple submitters, no conflicts (2 of 4 stars). 2 submissions from 2 submitters: Uncertain significance (2). Last evaluated 2025-11-20.

Allele frequency attached by ClinVar (database versions not stated): TOPMed below 0.00001; gnomAD 0.00001; ExAC 0.00007; 1000 Genomes Project 30x 0.00031; 1000 Genomes Project 0.00040.

Submissions (2):

Ambry Genetics
Classification: Uncertain significance. Last evaluated: 2025-11-20. Review status: criteria provided, single submitter. Criteria: Ambry Variant Classification Scheme 2023. Collection method: clinical testing. Allele origin: germline.

Labcorp Genetics (formerly Invitae), Labcorp
Classification: Uncertain significance. Last evaluated: 2023-05-17. Review status: criteria provided, single submitter. Criteria: Invitae Variant Classification Sherloc (09022015). Collection method: clinical testing. Allele origin: germline.
Comment: In summary, the available evidence is currently insufficient to determine the role of this variant in disease. Therefore, it has been classified as a Variant of Uncertain Significance. Algorithms developed to predict the effect of missense changes on protein structure and function output the following: SIFT: "Not Available"; PolyPhen-2: "Benign"; Align-GVGD: "Not Available". The serine amino acid residue is found in multiple mammalian species, which suggests that this missense change does not adversely affect protein function. This variant has not been reported in the literature in individuals affected with FAT2-related conditions. This variant is present in population databases (rs549767297, gnomAD 0.06%), and has an allele count higher than expected for a pathogenic variant. This sequence change replaces proline, which is neutral and non-polar, with serine, which is neutral and polar, at codon 263 of the FAT2 protein (p.Pro263Ser).